The following is an entry in ClinVar:

ClinVar aggregate classification (germline): Conflicting classifications of pathogenicity. Review status: criteria provided, conflicting classifications (1 of 4 stars). 2 submissions from 2 submitters: Uncertain significance (1); Likely benign (1). Last evaluated 2023-08-17.

Allele frequency attached by ClinVar (database versions not stated): gnomAD exomes 0.00004; ExAC 0.00006; ESP Exome Variant Server 0.00008; TOPMed 0.00014.
gnomAD v4.1: 63 of 1,604,468 alleles (0.0039%); highest among the groups gnomAD compares: Middle Eastern, 0.017%; no homozygotes.

Submissions (2):

Labcorp Genetics (formerly Invitae), Labcorp
Classification: Uncertain significance. Last evaluated: 2023-08-17. Review status: criteria provided, single submitter. Criteria: Invitae Variant Classification Sherloc (09022015). Collection method: clinical testing. Allele origin: germline.
Comment: In summary, the available evidence is currently insufficient to determine the role of this variant in disease. Therefore, it has been classified as a Variant of Uncertain Significance. Algorithms developed to predict the effect of missense changes on protein structure and function output the following: SIFT: "Not Available"; PolyPhen-2: "Benign"; Align-GVGD: "Not Available". The threonine amino acid residue is found in multiple mammalian species, which suggests that this missense change does not adversely affect protein function. ClinVar contains an entry for this variant (Variation ID: 1400887). This variant has not been reported in the literature in individuals affected with ZNF341-related conditions. This variant is present in population databases (rs6057900, gnomAD 0.02%). This sequence change replaces alanine, which is neutral and non-polar, with threonine, which is neutral and polar, at codon 279 of the ZNF341 protein (p.Ala279Thr).

Blueprint Genetics
Classification: Likely benign. Last evaluated: 2020-05-12. Review status: criteria provided, single submitter. Criteria: ACMG Guidelines, 2015. Collection method: clinical testing. Allele origin: germline.

NM_001282933.2(ZNF341):c.835G>A (p.Ala279Thr)

Gene: ZNF341 (zinc finger protein 341; plus strand). Cytogenetic location: 20q11.22.
Variant type: single nucleotide variant.
Coding change: c.835G>A on transcript NM_001282933.2 (MANE Select); coding-DNA position 835, G replaced by A.
Protein change: p.Ala279Thr; replaces alanine 279 with threonine.
Molecular consequence: missense variant. On other transcripts: non-coding transcript variant (1).
Genome position (GRCh38, 1-based): chr20:33,757,241, G>A. VCF-style: chr20-33757241-G-A. GRCh37 (hg19) VCF-style: chr20-32345047-G-A.
Other names: c.565G>A, p.Ala189Thr (NM_001282935.2); c.835G>A, p.Ala279Thr (NM_032819.5); short protein forms A279T, A189T.
Identifiers: ClinVar variation 1400887 (VCV001400887.5), dbSNP rs6057900, ClinGen allele CA9819279.